The following is an entry in ClinVar:

ClinVar aggregate classification (germline): Uncertain significance (1 of 4 stars; one submission).

Submission:

Labcorp Genetics (formerly Invitae), Labcorp
Classification: Uncertain significance. Last evaluated: 2024-12-02. Review status: criteria provided, single submitter. Criteria: Invitae Variant Classification Sherloc (09022015). Collection method: clinical testing. Allele origin: germline.
Comment: This sequence change replaces glutamic acid, which is acidic and polar, with glutamine, which is neutral and polar, at codon 74 of the COQ9 protein (p.Glu74Gln). This variant is not present in population databases (gnomAD no frequency). This variant has not been reported in the literature in individuals affected with COQ9-related conditions. ClinVar contains an entry for this variant (Variation ID: 1468908). An algorithm developed to predict the effect of missense changes on protein structure and function (PolyPhen-2) suggests that this variant is likely to be tolerated. In summary, the available evidence is currently insufficient to determine the role of this variant in disease. Therefore, it has been classified as a Variant of Uncertain Significance.

NM_020312.4(COQ9):c.220G>C (p.Glu74Gln)

Gene: COQ9 (coenzyme Q9; plus strand). Cytogenetic location: 16q21.
Variant type: single nucleotide variant.
Coding change: c.220G>C on transcript NM_020312.4 (MANE Select); coding-DNA position 220, G replaced by C.
Protein change: p.Glu74Gln; replaces glutamic acid 74 with glutamine.
Molecular consequence: missense variant.
Genome position (GRCh38, 1-based): chr16:57,451,186, G>C. VCF-style: chr16-57451186-G-C. GRCh37 (hg19) VCF-style: chr16-57485098-G-C.
Other names: short protein forms E74Q.
Identifiers: ClinVar variation 1468908 (VCV001468908.8), dbSNP rs2146586142, ClinGen allele CA396026810.